The following is an entry in ClinVar:

ClinVar aggregate classification (germline): Uncertain significance. Review status: criteria provided, multiple submitters, no conflicts (2 of 4 stars). 4 submissions from 4 submitters: Uncertain significance (4). Last evaluated 2025-05-15.

Conditions:
Hereditary diffuse gastric adenocarcinoma (HDGC). Also called: DIFFUSE GASTRIC AND LOBULAR BREAST CANCER SYNDROME. Identifiers: Orphanet 26106, MedGen C1708349, MONDO:0007648, OMIM 137215.
Hereditary cancer-predisposing syndrome. Also called: Hereditary Cancer Syndrome; Tumor predisposition; Hereditary neoplastic syndrome; Neoplastic Syndromes, Hereditary. Identifiers: Orphanet 140162, MedGen C0027672, MeSH D009386, MONDO:0015356.
Familial cancer of breast. Also called: hereditary breast carcinoma; Hereditary breast cancer; BREAST CANCER, FAMILIAL. Identifiers: Orphanet 227535, MedGen C0346153, MONDO:0016419, OMIM 114480. Disease mechanism: loss of function.

Allele frequency attached by ClinVar (database versions not stated): gnomAD exomes below 0.00001 and 0.00001; ExAC 0.00002.
gnomAD v4.1: 2 of 1,614,252 alleles (0.00012%); highest among the groups gnomAD compares: Admixed American, 0.0017%; no homozygotes.

Submissions (4):

Labcorp Genetics (formerly Invitae), Labcorp
Classification: Uncertain significance for Hereditary diffuse gastric adenocarcinoma. Last evaluated: 2025-05-15. Review status: criteria provided, single submitter. Criteria: Invitae Variant Classification Sherloc (09022015). Collection method: clinical testing. Allele origin: germline.
Comment: This sequence change replaces threonine, which is neutral and polar, with alanine, which is neutral and non-polar, at codon 509 of the CDH1 protein (p.Thr509Ala). This variant is present in population databases (rs761356661, gnomAD 0.003%). This variant has not been reported in the literature in individuals affected with CDH1-related conditions. ClinVar contains an entry for this variant (Variation ID: 1051188). An algorithm developed to predict the effect of missense changes on protein structure and function (PolyPhen-2) suggests that this variant is likely to be tolerated. In summary, the available evidence is currently insufficient to determine the role of this variant in disease. Therefore, it has been classified as a Variant of Uncertain Significance.

Color Diagnostics, LLC DBA Color Health
Classification: Uncertain significance for Hereditary cancer-predisposing syndrome. Last evaluated: 2025-03-24. Review status: criteria provided, single submitter. Criteria: ACMG Guidelines, 2015. Collection method: clinical testing. Allele origin: germline.
Comment: This missense variant replaces threonine with alanine at codon 509 of the CDH1 protein. To our knowledge, functional studies have not been reported for this variant. This variant has not been reported in individuals affected with CDH1-related disorders in the literature. This variant has been reported in a population control individual from the UK10K project and absent among 53 cases for cutaneous melanoma with a history of two or more additional independent primary cancers (PMID: 29641532). This variant also has been detected in 1 individual older than age 70 years who has never had cancer (FLOSSIES database). This variant has been identified in 2/251470 chromosomes in the general population by the Genome Aggregation Database (gnomAD). The available evidence is insufficient to determine the role of this variant in disease conclusively. Therefore, this variant is classified as a Variant of Uncertain Significance.

Baylor Genetics
Classification: Uncertain significance for Familial cancer of breast. Last evaluated: 2023-06-26. Review status: criteria provided, single submitter. Criteria: ACMG Guidelines, 2015. Collection method: clinical testing. Allele origin: unknown.

Ambry Genetics
Classification: Uncertain significance for Hereditary cancer-predisposing syndrome. Last evaluated: 2022-04-26. Review status: criteria provided, single submitter. Criteria: Ambry Variant Classification Scheme 2023. Collection method: clinical testing. Allele origin: germline.
Comment: The p.T509A variant (also known as c.1525A>G), located in coding exon 10 of the CDH1 gene, results from an A to G substitution at nucleotide position 1525. The threonine at codon 509 is replaced by alanine, an amino acid with similar properties. This alteration was identified in 1/1358 non-cancer control individuals and in 0/57 cases, in a study looking at cancer predisposition mutations in patients with cutaneous melanoma and a history of at least two additional non-cutaneous melanoma primary cancers (Pritchard AL et al. PLoS One, 2018 Apr;13:e0194098). This amino acid position is well conserved in available vertebrate species. In addition, this alteration is predicted to be tolerated by in silico analysis. Since supporting evidence is limited at this time, the clinical significance of this alteration remains unclear.

Literature cited by the submitters: PubMed 29641532 (cited by Color Diagnostics, LLC DBA Color Health and Ambry Genetics).

NM_004360.5(CDH1):c.1525A>G (p.Thr509Ala)

Gene: CDH1 (cadherin 1; plus strand). Cytogenetic location: 16q22.1.
Variant type: single nucleotide variant.
Coding change: c.1525A>G on transcript NM_004360.5 (MANE Select); coding-DNA position 1525, A replaced by G.
Protein change: p.Thr509Ala; replaces threonine 509 with alanine.
Molecular consequence: missense variant. On other transcripts: 5 prime UTR variant (2).
Genome position (GRCh38, 1-based): chr16:68,815,719, A>G. VCF-style: chr16-68815719-A-G. GRCh37 (hg19) VCF-style: chr16-68849622-A-G.
Other names: c.1342A>G, p.Thr448Ala (NM_001317184.2); c.-24A>G (NM_001317185.2); c.-295A>G (NM_001317186.2); short protein forms T448A, T509A.
Identifiers: ClinVar variation 1051188 (VCV001051188.11), dbSNP rs761356661, ClinGen allele CA8130089.